The following is an entry in ClinVar:

ClinVar aggregate classification (germline): Uncertain significance (1 of 4 stars; one submission).

Submission:

GeneDx
Classification: Uncertain significance. Last evaluated: 2023-10-04. Review status: criteria provided, single submitter. Criteria: GeneDx Variant Classification Process June 2021. Collection method: clinical testing. Allele origin: germline. Affected: yes.
Comment: Has not been previously published as pathogenic or benign to our knowledge; Not observed at significant frequency in large population cohorts (gnomAD); In silico analysis supports that this variant does not alter splicing

NM_001378452.1(ITPR1):c.6291+2C>T

Gene: ITPR1 (inositol 1,4,5-trisphosphate receptor type 1; plus strand). Cytogenetic location: 3p26.1.
Variant type: single nucleotide variant.
Coding change: c.6291+2C>T on transcript NM_001378452.1 (MANE Select); the canonical splice donor site of the intron after coding-DNA position 6291, C replaced by T.
Molecular consequence: splice donor variant.
Genome position (GRCh38, 1-based): chr3:4,777,376, C>T. VCF-style: chr3-4777376-C-T. GRCh37 (hg19) VCF-style: chr3-4819060-C-T.
Other names: c.6147+2C>T (NM_001099952.4); c.6246+2C>T (NM_001168272.2); c.6102+2C>T (NM_002222.7).
Identifiers: ClinVar variation 3252690 (VCV003252690.1), dbSNP rs2470068905.
Genomic context (GRCh38, chr3:4,777,376, plus strand): 5'-TCCTCAATGATATCAATCCTTTGGGAAAGAAGAGGATGGACCTTGTGTTAGAACTGAAGG[C>T]AAGTAGGAATTAAAAGCAGAAGACAGTCATTTGGAAACAGTCACTTTTGTGTTTTGCCTT-3'